The following is an entry in ClinVar:

ClinVar aggregate classification (germline): Uncertain significance (1 of 4 stars; one submission).

gnomAD v4.1: 12 of 1,614,210 alleles (0.00074%); highest among the groups gnomAD compares: Non-Finnish European, 0.001%; no homozygotes.

Submission:

Women's Health and Genetics/Laboratory Corporation of America, LabCorp
Classification: Uncertain significance. Last evaluated: 2026-03-04. Review status: criteria provided, single submitter. Criteria: LabCorp Variant Classification Summary - May 2015. Collection method: clinical testing. Allele origin: germline.
Comment: Variant summary: UGT1A1 c.184C>T (p.Pro62Ser) results in a non-conservative amino acid change in the encoded protein sequence. Algorithms developed to predict the effect of missense changes on protein structure and function are either unavailable or do not agree on the potential impact of this missense change. The variant was absent in 251424 control chromosomes. The available data on variant occurrences in the general population are insufficient to allow any conclusion about variant significance. To our knowledge, no occurrence of c.184C>T in individuals affected with UGT1A1-related conditions and no experimental evidence demonstrating its impact on protein function have been reported. No submitters have cited clinical-significance assessments for this variant to ClinVar. Based on the evidence outlined above, the variant was classified as uncertain significance.

NM_000463.3(UGT1A1):c.184C>T (p.Pro62Ser)

Genes: UGT1A (UDP glucuronosyltransferase family 1 member A complex locus; plus strand), UGT1A1 (UDP glucuronosyltransferase family 1 member A1; plus strand), UGT1A10 (UDP glucuronosyltransferase family 1 member A10; plus strand), UGT1A3 (UDP glucuronosyltransferase family 1 member A3; plus strand), UGT1A4 (UDP glucuronosyltransferase family 1 member A4; plus strand) and 5 more. Cytogenetic location: 2q37.1.
Variant type: single nucleotide variant.
Coding change: c.184C>T on transcript NM_000463.3 (MANE Select); coding-DNA position 184, C replaced by T.
Protein change: p.Pro62Ser; replaces proline 62 with serine.
Molecular consequence: missense variant. On other transcripts: intron variant (9).
Genome position (GRCh38, 1-based): chr2:233,760,471, C>T. VCF-style: chr2-233760471-C-T. GRCh37 (hg19) VCF-style: chr2-234669117-C-T.
Other names: c.856-6563C>T (NM_019076.5, NM_019075.4, NM_021027.3 and 1 more transcripts); c.61-6563C>T (NM_205862.3); c.862-6563C>T (NM_001072.4); c.868-6563C>T (NM_019078.2, NM_007120.3, NM_019093.4); short protein forms P62S.
Identifiers: ClinVar variation 4847488 (VCV004847488.1).